The following is an entry in ClinVar:

NM_152424.4(AMER1):c.1750C>T (p.Arg584Cys)

Gene: AMER1 (APC membrane recruitment protein 1; minus strand). Cytogenetic location: Xq11.2.
Variant type: single nucleotide variant.
Coding change: c.1750C>T on transcript NM_152424.4 (MANE Select); coding-DNA position 1750, C replaced by T.
Protein change: p.Arg584Cys; replaces arginine 584 with cysteine.
Molecular consequence: missense variant.
Genome position (GRCh38, 1-based): chrX:64,191,537, G>A on the plus strand (C>T on the coding strand, the complement: AMER1 is on the minus strand). VCF-style: chrX-64191537-G-A. GRCh37 (hg19) VCF-style: chrX-63411417-G-A.
Other names: short protein forms R584C.
Identifiers: ClinVar variation 3724242 (VCV003724242.2).

ClinVar aggregate classification (germline): Uncertain significance (1 of 4 stars; one submission).

Submission:

Labcorp Genetics (formerly Invitae), Labcorp
Classification: Uncertain significance. Last evaluated: 2024-09-10. Review status: criteria provided, single submitter. Criteria: Invitae Variant Classification Sherloc (09022015). Collection method: clinical testing. Allele origin: germline.
Comment: This sequence change replaces arginine, which is basic and polar, with cysteine, which is neutral and slightly polar, at codon 584 of the AMER1 protein (p.Arg584Cys). This variant is present in population databases (rs370276785, gnomAD 0.004%), including at least one homozygous and/or hemizygous individual. This variant has not been reported in the literature in individuals affected with AMER1-related conditions. An algorithm developed to predict the effect of missense changes on protein structure and function outputs the following: PolyPhen-2: "Benign". The cysteine amino acid residue is found in multiple mammalian species, which suggests that this missense change does not adversely affect protein function. In summary, the available evidence is currently insufficient to determine the role of this variant in disease. Therefore, it has been classified as a Variant of Uncertain Significance.